The following is an entry in ClinVar:

ClinVar aggregate classification (germline): Pathogenic (1 of 4 stars; one submission).

Conditions:
Niemann-Pick disease, type C1. Also called: NEUROVISCERAL STORAGE DISEASE WITH VERTICAL SUPRANUCLEAR OPHTHALMOPLEGIA; NIEMANN-PICK DISEASE WITH CHOLESTEROL ESTERIFICATION BLOCK; NIEMANN-PICK DISEASE WITHOUT SPHINGOMYELINASE DEFICIENCY; NIEMANN-PICK DISEASE, CHRONIC NEURONOPATHIC FORM; NIEMANN-PICK DISEASE, VARIANT TYPE C1. Identifiers: Orphanet 646, MedGen C3179455, MONDO:0009757, OMIM 257220.

Submission:

Myriad Genetics, Inc.
Classification: Pathogenic for Niemann-Pick disease, type C1. Last evaluated: 2024-12-20. Review status: criteria provided, single submitter. Criteria: Myriad Autosomal Dominant, Autosomal Recessive and X-Linked Classification Criteria (2023). Collection method: clinical testing. Allele origin: unknown.
Comment: NM_000271.4(NPC1):c.2112delT(L705Wfs*24) is expected to be pathogenic in the context of Niemann-Pick disease type C1. This variant is predicted to lead to an abnormal or absent protein product due to the creation of a premature termination codon in NPC1, a gene where loss-of-function variants are known to be pathogenic. Please note: this variant was assessed in the context of healthy population screening.

NM_000271.5(NPC1):c.2112del (p.Leu705fs)

Gene: NPC1 (NPC intracellular cholesterol transporter 1; minus strand). Cytogenetic location: 18q11.2.
Variant type: Deletion.
Coding change: c.2112del on transcript NM_000271.5 (MANE Select); coding-DNA position 2112, one base deleted (T; older notation c.2112delT).
Protein change: p.Leu705fs; shifts the reading frame from leucine 705.
Molecular consequence: frameshift variant.
Genome position (GRCh38, 1-based): chr18:23,544,362, A deleted on the plus strand (T on the coding strand, the reverse complement: NPC1 is on the minus strand); the first of 2 consecutive A bases (chr18:23,544,362-23,544,363); deleting either gives the same sequence. VCF-style (leftmost placement, unchanged base first): chr18-23544361-GA-G. GRCh37 (hg19) VCF-style: chr18-21124325-GA-G.
Other names: short protein forms L705fs.
Identifiers: ClinVar variation 5013874 (VCV005013874.1).
Genomic context (GRCh38, chr18:23,544,361, plus strand): 5'-AACTTGAACAGATGCTGAGCCCTGTGAGAATATGGAAGTATACCTGGTAGGCCTGCACCA[GA>G]ATGAAGATGTTGTCCACTCCAACAGCCAGCACCAGGAACGGGATGACTTCAATCACAATG-3'